The following is an entry in ClinVar:

NM_000152.5(GAA):c.1327-7T>G

Gene: GAA (alpha glucosidase; plus strand). Cytogenetic location: 17q25.3.
Variant type: single nucleotide variant.
Coding change: c.1327-7T>G on transcript NM_000152.5 (MANE Select); 7 bases into the intron before coding-DNA position 1327, T replaced by G.
Molecular consequence: intron variant.
Genome position (GRCh38, 1-based): chr17:80,109,938, T>G. VCF-style: chr17-80109938-T-G. GRCh37 (hg19) VCF-style: chr17-78083737-T-G.
Other names: c.1327-7T>G (NM_001079803.3, NM_001079804.3).
Identifiers: ClinVar variation 1021715 (VCV001021715.14), dbSNP rs774490566, ClinGen allele CA8815286.
Genomic context (GRCh38, chr17:80,109,938, plus strand): 5'-AGTTTTCCCCGTGGCTGGCGCCAGGGCTCTGGGCCACCCTCACCTTGACAGGTTTCCCTC[T>G]TCCCAGGATCCTGCCATCAGCAGCTCGGGCCCTGCCGGGAGCTACAGGCCCTACGACGAG-3'

ClinVar aggregate classification (germline): Uncertain significance. Review status: criteria provided, multiple submitters, no conflicts (2 of 4 stars). 3 submissions from 3 submitters: Uncertain significance (2). 1 of the submissions does not count toward it. Last evaluated 2026-07-01.

Conditions:
Glycogen storage disease, type II (IOPD). Also called: CARDIOMEGALIA GLYCOGENICA DIFFUSA; GLYCOGENOSIS, GENERALIZED, CARDIAC FORM; GSD II; Glycogen storage disease type 2; Acid maltase deficiency disease; Aglucosidase alfa. Identifiers: Orphanet 365, MedGen C0017921, MONDO:0009290, OMIM 232300.

Allele frequency attached by ClinVar (database versions not stated): ExAC 0.00001; gnomAD exomes 0.00001.
gnomAD v4.1: 11 of 1,611,978 alleles (0.00068%); highest among the groups gnomAD compares: Non-Finnish European, 0.00093%; no homozygotes.

Submissions (3):

Genomenon, Inc
Classification: Uncertain significance for Glycogen storage disease, type II. Last evaluated: 2026-07-01. Review status: criteria provided, single submitter. Criteria: Genomenon Sequence Variant Interpretation Standards - Updated. Collection method: curation. Allele origin: germline. Affected: no.
Comment: GAA c.1327-7T>G is an intronic variant located in the acceptor splice region of intron 8. This variant has been reported in the published literature (PMID:29149851). It is absent or not present at a significant frequency in gnomAD. In conclusion, we classify GAA c.1327-7T>G as a variant of uncertain significance.

Labcorp Genetics (formerly Invitae), Labcorp
Classification: Uncertain significance for Glycogen storage disease, type II. Last evaluated: 2020-09-24. Review status: criteria provided, single submitter. Criteria: Invitae Variant Classification Sherloc (09022015). Collection method: clinical testing. Allele origin: germline.
Comment: Algorithms developed to predict the effect of sequence changes on RNA splicing suggest that this variant may disrupt the consensus splice site, but this prediction has not been confirmed by published transcriptional studies. In summary, the available evidence is currently insufficient to determine the role of this variant in disease. Therefore, it has been classified as a Variant of Uncertain Significance. This sequence change falls in intron 8 of the GAA gene. It does not directly change the encoded amino acid sequence of the GAA protein. This variant has not been reported in the literature in individuals with GAA-related conditions. This variant is present in population databases (rs774490566, ExAC 0.002%).

Natera, Inc.
Classification: Uncertain significance for Glycogen storage disease type II. Last evaluated: 2021-05-05. Review status: no assertion criteria provided. Collection method: clinical testing. Allele origin: germline. Not counted in ClinVar's aggregate classification.

Literature cited by the submitters: PubMed 29149851 (cited by Genomenon, Inc).